The following is an entry in ClinVar:

ClinVar aggregate classification (germline): Pathogenic/Likely pathogenic. Review status: criteria provided, multiple submitters, no conflicts (2 of 4 stars). 3 submissions from 3 submitters: Pathogenic (1); Likely pathogenic (2). Last evaluated 2026-05-06.

Conditions:
Congenital hypotonia, epilepsy, developmental delay, and digital anomalies (CHEDDA). Also called: ATN1-Related Neurodevelopmental Disorder. Identifiers: MedGen C5193125, MONDO:0032781, OMIM 618494.
Inborn genetic diseases. Identifiers: MedGen C0950123, MeSH D030342.

Submissions (3):

3billion
Classification: Likely pathogenic for Congenital hypotonia, epilepsy, developmental delay, and digital anomalies. Last evaluated: 2026-05-06. Review status: criteria provided, single submitter. Criteria: ACMG Guidelines, 2015. Collection method: clinical testing. Allele origin: germline. Inheritance: Autosomal dominant inheritance. Affected: yes. Observed: 1 variant allele, 1 heterozygote.
Comment: The variant is not observed in the gnomAD v2.1.1 dataset. Missense changes are a common disease-causing mechanism. The variant is in the HX repeat motif in which variants previously reported to be associated with congenital hypotonia, epilepsy, developmental delay, and digital anomalies are located (PMID 30929740). The variant has been observed in multiple (>3) similarly affected unrelated individuals (3billion dataset). In silico tool predictions suggest damaging effect of the variant on gene or gene product (3Cnet: 0.86). Therefore, this variant is classified as likely pathogenic according to the recommendation of ACMG/AMP guideline.

Ambry Genetics
Classification: Likely pathogenic for Inborn genetic diseases. Last evaluated: 2026-02-12. Review status: criteria provided, single submitter. Criteria: Ambry Variant Classification Scheme 2023. Collection method: clinical testing. Allele origin: germline.
Comment: The c.3176C>T (p.S1059L) alteration is located in exon 7 (coding exon 6) of the ATN1 gene. This alteration results from a C to T substitution at nucleotide position 3176, causing the serine (S) at amino acid position 1059 to be replaced by a leucine (L). for congenital hypotonia, epilepsy, developmental delay, and digital anomalies (CHEDDA); however, it is unlikely to be causative of dentatorubro-pallidoluysian atrophy (DRPLA). This variant was not reported in population-based cohorts in the Genome Aggregation Database (gnomAD). This variant was reported in individual(s) with features consistent with congenital hypotonia, epilepsy, developmental delay, and digital anomalies (CHEDDA); in at least one individual, it was determined to be de novo (external communication). This amino acid position is highly conserved in available vertebrate species. The in silico prediction for this alteration is inconclusive. Based on the available evidence, this alteration is classified as likely pathogenic.

GeneDx
Classification: Pathogenic. Last evaluated: 2025-06-26. Review status: criteria provided, single submitter. Criteria: GeneDx Variant Classification Process June 2021. Collection method: clinical testing. Allele origin: germline. Affected: yes.
Comment: Not observed at significant frequency in large population cohorts (gnomAD); In silico analysis supports that this missense variant has a deleterious effect on protein structure/function; This variant is associated with the following publications: (PMID: 35982159, 33057194)

NM_001940.4(ATN1):c.3176C>T (p.Ser1059Leu)

Gene: ATN1 (atrophin 1; plus strand). Cytogenetic location: 12p13.31.
Variant type: single nucleotide variant.
Coding change: c.3176C>T on transcript NM_001940.4 (MANE Select); coding-DNA position 3176, C replaced by T.
Protein change: p.Ser1059Leu; replaces serine 1059 with leucine.
Molecular consequence: missense variant.
Genome position (GRCh38, 1-based): chr12:6,939,139, C>T. VCF-style: chr12-6939139-C-T. GRCh37 (hg19) VCF-style: chr12-7048302-C-T.
Other names: c.3176C>T, p.Ser1059Leu (NM_001007026.2); c.3176C>T (NM_001007026.1); short protein forms S1059L.
Identifiers: ClinVar variation 1687606 (VCV001687606.6), dbSNP rs2138219948, ClinGen allele CA383741305.